The following is an entry in ClinVar:

ClinVar aggregate classification (germline): Pathogenic (1 of 4 stars; one submission).

Conditions:
Hereditary breast ovarian cancer syndrome. Also called: Hereditary breast and ovarian cancer; Breast and ovarian cancer; BRCA1- and BRCA2-Associated Hereditary Breast and Ovarian Cancer; Hereditary breast and/or ovarian cancer syndrome; Hereditary breast and ovarian cancer syndrome; Hereditary breast and ovarian cancer syndrome (HBOC). Identifiers: Orphanet 145, MedGen C0677776, MeSH D061325, MONDO:0003582. Disease mechanism: loss of function.

Submission:

Labcorp Genetics (formerly Invitae), Labcorp
Classification: Pathogenic for Hereditary breast ovarian cancer syndrome. Last evaluated: 2022-10-13. Review status: criteria provided, single submitter. Criteria: Invitae Variant Classification Sherloc (09022015). Collection method: clinical testing. Allele origin: germline.
Comment: This variant is a gross deletion of the genomic region encompassing exon(s) 7 of the BRCA1 gene. This deletion is out-of-frame, and is expected to create a premature termination codon and result in an absent or disrupted protein product. Loss-of-function variants in BRCA1 are known to be pathogenic (PMID: 20104584). A similar copy number variant has been observed in individual(s) with breast and/or ovarian cancer (PMID: 12670888, 18431737, 24013928). This variant is also known as exon 8 deletions. For these reasons, this variant has been classified as Pathogenic.

Literature cited by the submitters: PubMed 20104584; PubMed 12670888; PubMed 18431737; PubMed 24013928.

NC_000017.10:g.(?_41251772)_(41251921_?)del

Gene: BRCA1 (BRCA1 DNA repair associated; minus strand). Cytogenetic location: 17q21.31.
Variant type: Deletion.
Identifiers: ClinVar variation 1076991 (VCV001076991.2).